The following is an entry in ClinVar:

ClinVar aggregate classification (germline): Uncertain significance (1 of 4 stars; one submission).

Conditions:
Alstrom syndrome (ALMS). Identifiers: Orphanet 64, MedGen C0268425, MONDO:0008763, OMIM 203800.

Submission:

Labcorp Genetics (formerly Invitae), Labcorp
Classification: Uncertain significance for Alstrom syndrome. Last evaluated: 2021-04-28. Review status: criteria provided, single submitter. Criteria: Invitae Variant Classification Sherloc (09022015). Collection method: clinical testing. Allele origin: germline.
Comment: In summary, the available evidence is currently insufficient to determine the role of this variant in disease. Therefore, it has been classified as a Variant of Uncertain Significance. Experimental studies and prediction algorithms are not available or were not evaluated, and the functional significance of this variant is currently unknown. This variant has not been reported in the literature in individuals with ALMS1-related conditions. This variant is not present in population databases (ExAC no frequency). This sequence change replaces valine with leucine at codon 424 of the ALMS1 protein (p.Val424Leu). The valine residue is weakly conserved and there is a small physicochemical difference between valine and leucine.

NM_001378454.1(ALMS1):c.1267G>C (p.Val423Leu)

Gene: ALMS1 (ALMS1 centrosome and basal body associated protein; plus strand). Cytogenetic location: 2p13.1.
Variant type: single nucleotide variant.
Coding change: c.1267G>C on transcript NM_001378454.1 (MANE Select); coding-DNA position 1267, G replaced by C.
Protein change: p.Val423Leu; replaces valine 423 with leucine.
Molecular consequence: missense variant.
Genome position (GRCh38, 1-based): chr2:73,426,482, G>C. VCF-style: chr2-73426482-G-C. GRCh37 (hg19) VCF-style: chr2-73653610-G-C.
Other names: c.1270G>C, p.Val424Leu (NM_015120.4); short protein forms V423L, V424L.
Identifiers: ClinVar variation 1380567 (VCV001380567.4), dbSNP rs45630557, ClinGen allele CA347261873.